The following is an entry in ClinVar:

ClinVar aggregate classification (germline): Pathogenic (1 of 4 stars; one submission).

Conditions:
Ehlers-Danlos syndrome, dermatosparaxis type. Also called: EDS VIIC; Dermatosparaxis; Ehlers-Danlos syndrome, type VII, autosomal recessive. Identifiers: Orphanet 1901, MedGen C2700425, MONDO:0009161, OMIM 225410.

Submission:

Myriad Genetics, Inc.
Classification: Pathogenic for Ehlers-Danlos syndrome, dermatosparaxis type. Last evaluated: 2024-05-14. Review status: criteria provided, single submitter. Criteria: Myriad Autosomal Dominant, Autosomal Recessive and X-Linked Classification Criteria (2023). Collection method: clinical testing. Allele origin: unknown.
Comment: NM_014244.4(ADAMTS2):c.70_71ins19(P24Lfs*48) is expected to be pathogenic in the context of Ehlers-Danlos syndrome, ADAMTS2-related. This variant is predicted to lead to an abnormal or absent protein product due to the creation of a premature termination codon in ADAMTS2, a gene where loss-of-function variants are known to be pathogenic. Please note: this variant was assessed in the context of healthy population screening.

NM_014244.5(ADAMTS2):c.70_71insTCTTATACACATCTGTGAT (p.Pro24fs)

Gene: ADAMTS2 (ADAM metallopeptidase with thrombospondin type 1 motif 2; minus strand). Cytogenetic location: 5q35.3.
Variant type: Insertion.
Coding change: c.70_71insTCTTATACACATCTGTGAT on transcript NM_014244.5 (MANE Select); coding-DNA positions 70 to 71, TCTTATACACATCTGTGAT inserted.
Protein change: p.Pro24fs; shifts the reading frame from proline 24.
Molecular consequence: frameshift variant.
Genome position: GRCh38 VCF-style: chr5-179345258-G-GATCACAGATGTGTATAAGA. GRCh37 (hg19) VCF-style: chr5-178772259-G-GATCACAGATGTGTATAAGA.
Other names: c.70_71insTCTTATACACATCTGTGAT, p.Pro24fs (NM_021599.4); short protein forms P24fs.
Identifiers: ClinVar variation 5015448 (VCV005015448.1).